The following is an entry in ClinVar:

NM_006060.6(IKZF1):c.585C>A (p.His195Gln)

Gene: IKZF1 (IKAROS family zinc finger 1; plus strand). Cytogenetic location: 7p12.2.
Variant type: single nucleotide variant.
Coding change: c.585C>A on transcript NM_006060.6 (MANE Select); coding-DNA position 585, C replaced by A.
Protein change: p.His195Gln; replaces histidine 195 with glutamine.
Molecular consequence: missense variant. On other transcripts: intron variant (6).
Genome position (GRCh38, 1-based): chr7:50,382,703, C>A. VCF-style: chr7-50382703-C-A. GRCh37 (hg19) VCF-style: chr7-50450401-C-A.
Other names: c.585C>A, p.His195Gln (NM_001220765.3, NM_001220768.2, NM_001291837.2); c.324C>A, p.His108Gln (NM_001220767.2, NM_001220770.2, NM_001291838.2 and 1 more transcripts); c.645C>A, p.His215Gln (NM_001410879.1); c.421+5910C>A (NM_001220771.2); c.161-4642C>A (NM_001291841.1, NM_001291842.1); c.161-9026C>A (NM_001291843.1, NM_001291844.1); c.161-17215C>A (NM_001291840.1); short protein forms H195Q, H108Q, H215Q.
Identifiers: ClinVar variation 3728622 (VCV003728622.2).

ClinVar aggregate classification (germline): Uncertain significance (1 of 4 stars; one submission).

Submission:

Labcorp Genetics (formerly Invitae), Labcorp
Classification: Uncertain significance. Last evaluated: 2025-01-13. Review status: criteria provided, single submitter. Criteria: Invitae Variant Classification Sherloc (09022015). Collection method: clinical testing. Allele origin: germline.
Comment: This sequence change replaces histidine, which is basic and polar, with glutamine, which is neutral and polar, at codon 195 of the IKZF1 protein (p.His195Gln). This variant is not present in population databases (gnomAD no frequency). This variant has not been reported in the literature in individuals affected with IKZF1-related conditions. An algorithm developed to predict the effect of missense changes on protein structure and function (PolyPhen-2) suggests that this variant is likely to be disruptive. In summary, the available evidence is currently insufficient to determine the role of this variant in disease. Therefore, it has been classified as a Variant of Uncertain Significance.